The following is an entry in ClinVar:

NM_021076.4(NEFH):c.2015C>A (p.Ala672Glu)

Gene: NEFH (neurofilament heavy chain; plus strand). Cytogenetic location: 22q12.2.
Variant type: single nucleotide variant.
Coding change: c.2015C>A on transcript NM_021076.4 (MANE Select); coding-DNA position 2015, C replaced by A.
Protein change: p.Ala672Glu; replaces alanine 672 with glutamic acid.
Molecular consequence: missense variant.
Genome position (GRCh38, 1-based): chr22:29,489,655, C>A. VCF-style: chr22-29489655-C-A. GRCh37 (hg19) VCF-style: chr22-29885644-C-A.
Other names: short protein forms A672E.
Identifiers: ClinVar variation 1571588 (VCV001571588.19), dbSNP rs1331832385, ClinGen allele CA10174332.
Genomic context (GRCh38, chr22:29,489,655, plus strand): 5'-CCAAGTCCCCAGAGAAGGAAGAGGCCAAGTCCCCTGAGAAGGCCAAGTCCCCAGTGAAGG[C>A]AGAAGCAAAGTCCCCTGAGAAGGCCAAGTCCCCAGTGAAGGCAGAAGCAAAGTCCCCTGA-3'
Protein context (NP_066554.2, residues 662-682): SPEKAKSPVK[Ala672Glu]EAKSPEKAKS

ClinVar aggregate classification (germline): Benign/Likely benign. Review status: criteria provided, multiple submitters, no conflicts (2 of 4 stars). 4 submissions from 4 submitters: Benign (3); Likely benign (1). Last evaluated 2026-09-01.

Conditions:
Inborn genetic diseases. Identifiers: MedGen C0950123, MeSH D030342.

Allele frequency attached by ClinVar (database versions not stated): ExAC 0.00007; gnomAD exomes 0.00479; 1000 Genomes Project 30x 0.01733; gnomAD 0.02501 and 0.02549.

Submissions (4):

CeGaT Center for Human Genetics Tuebingen
Classification: Likely benign. Last evaluated: 2026-09-01. Review status: criteria provided, single submitter. Criteria: CeGaT Center For Human Genetics Tuebingen Variant Classification Criteria Version 2. Collection method: clinical testing. Allele origin: germline. Affected: yes. Observed: 13 variant alleles.
Comment: NEFH: PP2, BP4, BS1

Labcorp Genetics (formerly Invitae), Labcorp
Classification: Benign. Last evaluated: 2026-01-08. Review status: criteria provided, single submitter. Criteria: Invitae Variant Classification Sherloc (09022015). Collection method: clinical testing. Allele origin: germline.

Ambry Genetics
Classification: Benign for Inborn genetic diseases. Last evaluated: 2022-02-11. Review status: criteria provided, single submitter. Criteria: Ambry Variant Classification Scheme 2023. Collection method: clinical testing. Allele origin: germline.

Breakthrough Genomics
Classification: Benign. Review status: criteria provided, single submitter. Criteria: ACMG Guidelines, 2015. Collection method: not provided. Allele origin: germline. Inheritance: Autosomal recessive inheritance. Affected: yes.